The following is an entry in ClinVar:

ClinVar aggregate classification (germline): Uncertain significance (1 of 4 stars; one submission).

Allele frequency attached by ClinVar (database versions not stated): gnomAD exomes 0.00001; TOPMed 0.00001.
gnomAD v4.1: 14 of 1,614,054 alleles (0.00087%); highest among the groups gnomAD compares: Admixed American, 0.0017%; no homozygotes.

Submission:

Labcorp Genetics (formerly Invitae), Labcorp
Classification: Uncertain significance. Last evaluated: 2021-12-19. Review status: criteria provided, single submitter. Criteria: Invitae Variant Classification Sherloc (09022015). Collection method: clinical testing. Allele origin: germline.
Comment: This sequence change replaces proline, which is neutral and non-polar, with serine, which is neutral and polar, at codon 491 of the SETBP1 protein (p.Pro491Ser). This variant is present in population databases (no rsID available, gnomAD 0.003%). This variant has not been reported in the literature in individuals affected with SETBP1-related conditions. Algorithms developed to predict the effect of missense changes on protein structure and function output the following: SIFT: "Tolerated"; PolyPhen-2: "Benign"; Align-GVGD: "Class C0". The serine amino acid residue is found in multiple mammalian species, which suggests that this missense change does not adversely affect protein function. In summary, the available evidence is currently insufficient to determine the role of this variant in disease. Therefore, it has been classified as a Variant of Uncertain Significance.

NM_015559.3(SETBP1):c.1471C>T (p.Pro491Ser)

Gene: SETBP1 (SET binding protein 1; plus strand). Cytogenetic location: 18q12.3.
Variant type: single nucleotide variant.
Coding change: c.1471C>T on transcript NM_015559.3 (MANE Select); coding-DNA position 1471, C replaced by T.
Protein change: p.Pro491Ser; replaces proline 491 with serine.
Molecular consequence: missense variant.
Genome position (GRCh38, 1-based): chr18:44,950,811, C>T. VCF-style: chr18-44950811-C-T. GRCh37 (hg19) VCF-style: chr18-42530776-C-T.
Other names: c.1471C>T, p.Pro491Ser (NM_001379141.1, NM_001379142.1, NM_001410862.1); short protein forms P491S.
Identifiers: ClinVar variation 2198821 (VCV002198821.4), dbSNP rs937896107, ClinGen allele CA299697388.